The following is an entry in ClinVar:

NM_020987.5(ANK3):c.8013C>T (p.Ser2671=)

Gene: ANK3 (ankyrin 3; minus strand). Cytogenetic location: 10q21.2.
Variant type: single nucleotide variant.
Coding change: c.8013C>T on transcript NM_020987.5 (MANE Select); coding-DNA position 8013, C replaced by T.
Protein change: p.Ser2671=; no amino-acid change (serine 2671 retained).
Molecular consequence: synonymous variant. On other transcripts: intron variant (4).
Genome position (GRCh38, 1-based): chr10:60,072,868, G>A on the plus strand (C>T on the coding strand, the complement: ANK3 is on the minus strand). VCF-style: chr10-60072868-G-A. GRCh37 (hg19) VCF-style: chr10-61832626-G-A.
Other names: c.4388-4859C>T (NM_001204403.2); c.4409-4859C>T (NM_001204404.2); c.4406-4859C>T (NM_001320874.2); c.1808-4859C>T (NM_001149.4).
Identifiers: ClinVar variation 128378 (VCV000128378.15), dbSNP rs41274674, ClinGen allele CA151806.

ClinVar aggregate classification (germline): Benign. Review status: criteria provided, multiple submitters, no conflicts (2 of 4 stars). 3 submissions from 3 submitters: Benign (2). 1 of the submissions does not count toward it. Last evaluated 2026-02-01.

Allele frequency attached by ClinVar (database versions not stated): 1000 Genomes Project 0.02756; 1000 Genomes Project 30x 0.02858; ExAC 0.03280; gnomAD exomes 0.03300 and 0.04051; TOPMed 0.04227; gnomAD 0.04323 and 0.04537; ESP Exome Variant Server 0.04821.
gnomAD v4.1: 65,606 of 1,614,026 alleles (4.1%); highest among the groups gnomAD compares: African/African-American, 5.9%; 1,508 homozygotes.

Submissions (3):

Labcorp Genetics (formerly Invitae), Labcorp
Classification: Benign. Last evaluated: 2026-02-01. Review status: criteria provided, single submitter. Criteria: Invitae Variant Classification Sherloc (09022015). Collection method: clinical testing. Allele origin: germline.

Breakthrough Genomics
Classification: Benign. Review status: criteria provided, single submitter. Criteria: ACMG Guidelines, 2015. Collection method: not provided. Allele origin: germline. Inheritance: Autosomal recessive inheritance. Affected: yes.

Genetic Services Laboratory, University of Chicago
Classification: Likely benign for AllHighlyPenetrant. Review status: no assertion criteria provided. Collection method: clinical testing. Allele origin: germline. Inheritance: Autosomal recessive inheritance. Not counted in ClinVar's aggregate classification.
Comment: Likely benign based on allele frequency in 1000 Genomes Project or ESP global frequency and its presence in a patient with a rare or unrelated disease phenotype. NOT Sanger confirmed.